The following is an entry in ClinVar:

ClinVar aggregate classification (germline): Likely benign. Review status: criteria provided, multiple submitters, no conflicts (2 of 4 stars). 4 submissions from 4 submitters: Likely benign (4). Last evaluated 2025-03-22.

Conditions:
Cowden syndrome (CS). Also called: Cowden's disease; Cowden's syndrome; Cowden disease. Identifiers: Orphanet 201, MedGen C0018553, MONDO:0016063. Disease mechanism: gain of function.
Hereditary pheochromocytoma and paraganglioma. Also called: Hereditary pheochromocytoma-paraganglioma; Hereditary Paraganglioma-Pheochromocytoma Syndromes; Hereditary paragangliomas and pheochromocytomas. Identifiers: Orphanet 29072, MedGen C4274332, MONDO:0017366.

Allele frequency attached by ClinVar (database versions not stated): TOPMed below 0.00001; gnomAD exomes 0.00004; ExAC 0.00008.
gnomAD v4.1: 57 of 1,614,222 alleles (0.0035%); highest among the groups gnomAD compares: South Asian, 0.06%; no homozygotes.

Submissions (4):

Quest Diagnostics Nichols Institute San Juan Capistrano
Classification: Likely benign. Last evaluated: 2025-03-22. Review status: criteria provided, single submitter. Criteria: Quest Diagnostics criteria. Collection method: clinical testing. Allele origin: unknown.

All of Us Research Program, National Institutes of Health
Classification: Likely benign for Hereditary pheochromocytoma and paraganglioma. Last evaluated: 2024-06-09. Review status: criteria provided, single submitter. Criteria: ACMG Guidelines, 2015. Collection method: clinical testing. Allele origin: germline. Inheritance: Autosomal dominant inheritance. Observed: 4 variant alleles, 4 heterozygotes.
Comment: This study involves interpretation of variants in research participants for the purpose of population health screening. Participant phenotype was not available at the time of variant classification. Additional details can be found in publication PMID: 35346344, PMCID: PMC8962531

Color Diagnostics, LLC DBA Color Health
Classification: Likely benign for Hereditary pheochromocytoma and paraganglioma. Last evaluated: 2023-01-10. Review status: criteria provided, single submitter. Criteria: ACMG Guidelines, 2015. Collection method: clinical testing. Allele origin: germline.

Department of Pathology and Laboratory Medicine, Sinai Health System
Classification: Likely benign for Cowden syndrome. Last evaluated: 2022-11-09. Review status: criteria provided, single submitter. Criteria: ACMG Guidelines, 2015. Collection method: clinical testing. Allele origin: germline. Affected: yes.

NM_003002.4(SDHD):c.-9A>C

Genes: SDHD (succinate dehydrogenase complex subunit D; plus strand), LOC126861339 (BRD4-independent group 4 enhancer GRCh37_chr11:111957035-111958234; plus strand). Cytogenetic location: 11q23.1.
Variant type: single nucleotide variant.
Coding change: c.-9A>C on transcript NM_003002.4 (MANE Select); 9 bases upstream of the start codon, A replaced by C.
Molecular consequence: 5 prime UTR variant. On other transcripts: non-coding transcript variant (1).
Genome position (GRCh38, 1-based): chr11:112,086,899, A>C. VCF-style: chr11-112086899-A-C. GRCh37 (hg19) VCF-style: chr11-111957623-A-C.
Other names: c.-9A>C (NM_001276503.2, NM_001276504.2, NM_001276506.2 and 1 more transcripts).
Identifiers: ClinVar variation 3072494 (VCV003072494.5), dbSNP rs780972546, ClinGen allele CA071609.